The following is an entry in ClinVar:

ClinVar aggregate classification (germline): Uncertain significance (1 of 4 stars; one submission).

Conditions:
Cystic fibrosis (CF). Also called: MUCOVISCIDOSIS. Identifiers: Orphanet 586, MedGen C0010674, MONDO:0009061, OMIM 219700. Disease mechanism: loss of function.

Submission:

Labcorp Genetics (formerly Invitae), Labcorp
Classification: Uncertain significance for Cystic fibrosis. Last evaluated: 2025-11-27. Review status: criteria provided, single submitter. Criteria: Invitae Variant Classification Sherloc (09022015). Collection method: clinical testing. Allele origin: germline.
Comment: This sequence change replaces isoleucine, which is neutral and non-polar, with leucine, which is neutral and non-polar, at codon 203 of the CFTR protein (p.Ile203Leu). This variant is not present in population databases (gnomAD no frequency). This variant has not been reported in the literature in individuals affected with CFTR-related conditions. Invitae Evidence Modeling of protein sequence and biophysical properties (such as structural, functional, and spatial information, amino acid conservation, physicochemical variation, residue mobility, and thermodynamic stability) indicates that this missense variant is expected to disrupt CFTR protein function with a positive predictive value of 80%. In summary, the available evidence is currently insufficient to determine the role of this variant in disease. Therefore, it has been classified as a Variant of Uncertain Significance.

NM_000492.4(CFTR):c.607A>C (p.Ile203Leu)

Gene: CFTR (CF transmembrane conductance regulator; plus strand). Cytogenetic location: 7q31.2.
Variant type: single nucleotide variant.
Coding change: c.607A>C on transcript NM_000492.4 (MANE Select); coding-DNA position 607, A replaced by C.
Protein change: p.Ile203Leu; replaces isoleucine 203 with leucine.
Molecular consequence: missense variant.
Genome position (GRCh38, 1-based): chr7:117,535,275, A>C. VCF-style: chr7-117535275-A-C. GRCh37 (hg19) VCF-style: chr7-117175329-A-C.
Other names: short protein forms I203L.
Identifiers: ClinVar variation 4741133 (VCV004741133.1).
Genomic context (GRCh38, chr7:117,535,275, plus strand): 5'-GACACCTGTTTTTGCTGTGCTTTTATTTTCCAGGGACTTGCATTGGCACATTTCGTGTGG[A>C]TCGCTCCTTTGCAAGTGGCACTCCTCATGGGGCTAATCTGGGAGTTGTTACAGGCGTCTG-3'
Protein context (NP_000483.3, residues 193-213): EGLALAHFVW[Ile203Leu]APLQVALLMG